The following is an entry in ClinVar:

NM_001367721.1(CASK):c.1367C>A (p.Ala456Glu)

Gene: CASK (calcium/calmodulin dependent serine protein kinase; minus strand). Cytogenetic location: Xp11.4.
Variant type: single nucleotide variant.
Coding change: c.1367C>A on transcript NM_001367721.1 (MANE Select); coding-DNA position 1367, C replaced by A.
Protein change: p.Ala456Glu; replaces alanine 456 with glutamic acid.
Molecular consequence: missense variant.
Genome position (GRCh38, 1-based): chrX:41,578,476, G>T on the plus strand (C>A on the coding strand, the complement: CASK is on the minus strand). VCF-style: chrX-41578476-G-T. GRCh37 (hg19) VCF-style: chrX-41437729-G-T.
Other names: c.1349C>A, p.Ala450Glu (NM_001410745.1, NM_001126055.3); c.1367C>A, p.Ala456Glu (NM_003688.4, NM_001126054.3); short protein forms A450E, A456E.
Identifiers: ClinVar variation 4875021 (VCV004875021.2).

ClinVar aggregate classification (germline): Uncertain significance (1 of 4 stars; one submission).

Submission:

CeGaT Center for Human Genetics Tuebingen
Classification: Uncertain significance. Last evaluated: 2026-05-01. Review status: criteria provided, single submitter. Criteria: CeGaT Center For Human Genetics Tuebingen Variant Classification Criteria Version 2. Collection method: clinical testing. Allele origin: germline. Affected: yes. Observed: 1 variant allele.
Comment: CASK: PM2